The following is an entry in ClinVar:

NM_144997.7(FLCN):c.1054_1055del (p.Met352fs)

Gene: FLCN (folliculin; minus strand). Cytogenetic location: 17p11.2.
Variant type: Deletion.
Coding change: c.1054_1055del on transcript NM_144997.7 (MANE Select); coding-DNA positions 1054 to 1055, 2 bases deleted (AT; older notation c.1054_1055delAT).
Protein change: p.Met352fs; shifts the reading frame from methionine 352.
Molecular consequence: frameshift variant.
Genome position (GRCh38, 1-based): chr17:17,219,026-17,219,027, AT deleted on the plus strand (AT on the coding strand, the reverse complement: FLCN is on the minus strand). VCF-style (leftmost placement, unchanged base first): chr17-17219025-CAT-C. GRCh37 (hg19) VCF-style: chr17-17122339-CAT-C.
Other names: c.1108_1109del, p.Met370fs (NM_001353229.2); c.1054_1055del, p.Met352fs (NM_001353230.2, NM_001353231.2); short protein forms M352fs, M370fs.
Identifiers: ClinVar variation 863926 (VCV000863926.1), dbSNP rs2047006361, ClinGen allele CA916081870.
Genomic context (GRCh38, chr17:17,219,025, plus strand): 5'-CCCATGACTGGCTCTCCTCCTGAGCTCCTGATGCGCTGTGCCCCTGCCGCCTACCTGCCT[CAT>C]GTGCCGGAGGGACTTGAAGACTGGCAGCTTCCGGGGCTGCCAGCTCCCACAGCCTGAGAG-3'

ClinVar aggregate classification (germline): Pathogenic (1 of 4 stars; one submission).

Conditions:
Birt-Hogg-Dube syndrome. Also called: Birt Hogg Dubé syndrome. Identifiers: Orphanet 122, MedGen C0346010, MONDO:0800444.

Submission:

Labcorp Genetics (formerly Invitae), Labcorp
Classification: Pathogenic for Multiple fibrofolliculomas. Last evaluated: 2020-01-08. Review status: criteria provided, single submitter. Criteria: Invitae Variant Classification Sherloc (09022015). Collection method: clinical testing. Allele origin: germline.
Comment: This sequence change creates a premature translational stop signal (p.Met352Glufs*37) in the FLCN gene. It is expected to result in an absent or disrupted protein product. This variant is not present in population databases (ExAC no frequency). This variant has not been reported in the literature in individuals with FLCN-related conditions. Loss-of-function variants in FLCN are known to be pathogenic (PMID: 15852235). For these reasons, this variant has been classified as Pathogenic.